The following is an entry in ClinVar:

ClinVar aggregate classification (germline): Uncertain significance (1 of 4 stars; one submission).

gnomAD v4.1: 2 of 1,614,170 alleles (0.00012%); highest among the groups gnomAD compares: Non-Finnish European, 0.000085%; no homozygotes.

Submission:

Ambry Genetics
Classification: Uncertain significance. Last evaluated: 2026-03-21. Review status: criteria provided, single submitter. Criteria: Ambry Variant Classification Scheme 2023. Collection method: clinical testing. Allele origin: germline.
Comment: The p.N598S variant (also known as c.1793A>G), located in coding exon 1 of the TET2 gene, results from an A to G substitution at nucleotide position 1793. The asparagine at codon 598 is replaced by serine, an amino acid with highly similar properties. This amino acid position is conserved. In addition, this alteration is predicted to be tolerated by in silico analysis. Based on the available evidence, the clinical significance of this variant remains unclear.

NM_001127208.3(TET2):c.1793A>G (p.Asn598Ser)

Genes: TET2 (tet methylcytosine dioxygenase 2; plus strand), TET2-AS1 (TET2 antisense RNA 1; minus strand). Cytogenetic location: 4q24.
Variant type: single nucleotide variant.
Coding change: c.1793A>G on transcript NM_001127208.3 (MANE Select); coding-DNA position 1793, A replaced by G.
Protein change: p.Asn598Ser; replaces asparagine 598 with serine.
Molecular consequence: missense variant.
Genome position (GRCh38, 1-based): chr4:105,235,735, A>G. VCF-style: chr4-105235735-A-G. GRCh37 (hg19) VCF-style: chr4-106156892-A-G.
Other names: c.1793A>G, p.Asn598Ser (NM_017628.4); short protein forms N598S.
Identifiers: ClinVar variation 4865503 (VCV004865503.1).
Genomic context (GRCh38, chr4:105,235,735, plus strand): 5'-ATCTAAAACGTAATGAGGCATCACTGCCATCAATTCTTCAGTATCAACCCAATCTCTCCA[A>G]TCAAATGACCTCCAAACAATACACTGGAAATTCCAACATGCCTGGGGGGCTCCCAAGGCA-3'
Protein context (NP_001120680.1, residues 588-608): SILQYQPNLS[Asn598Ser]QMTSKQYTGN